The following is an entry in ClinVar:

NM_000059.4(BRCA2):c.898_899dup (p.Val300_Asp301insTer)

Gene: BRCA2 (BRCA2 DNA repair associated; plus strand). Cytogenetic location: 13q13.1.
Variant type: Duplication.
Coding change: c.898_899dup on transcript NM_000059.4 (MANE Select); coding-DNA positions 898 to 899, 2 bases duplicated (GT; older notation c.898_899dupGT).
Protein change: p.Val300_Asp301insTer.
Molecular consequence: frameshift variant.
Genome position (GRCh38, 1-based): chr13:32,332,376-32,332,377, GT duplicated; duplicating any 2 consecutive bases within chr13:32,332,375-32,332,377 gives the same sequence; the c. name uses the placement nearest the transcript's 3' end. VCF-style (leftmost placement, unchanged base first): chr13-32332374-T-TTG. GRCh37 (hg19) VCF-style: chr13-32906511-T-TTG.
Other names: c.898_899dupGT (NM_000059.3).
Identifiers: ClinVar variation 3721212 (VCV003721212.4).
Genomic context (GRCh38, chr13:32,332,374, plus strand): 5'-GCAAAGACCACATTGGAAAGTCAATGCCAAATGTCCTAGAAGATGAAGTATATGAAACAG[T>TTG]TGTAGATACCTCTGAAGAAGATAGTTTTTCATTATGTTTTTCTAAATGTAGAACAAAAAA-3'

ClinVar aggregate classification (germline): Pathogenic. Review status: criteria provided, multiple submitters, no conflicts (2 of 4 stars). 3 submissions from 3 submitters: Pathogenic (3). Last evaluated 2026-07-15.

Conditions:
Inherited breast cancer and ovarian cancer.
Hereditary breast ovarian cancer syndrome. Also called: Hereditary breast and ovarian cancer; Breast and ovarian cancer; Hereditary breast and/or ovarian cancer syndrome; Hereditary breast and ovarian cancer syndrome (HBOC); BRCA1- and BRCA2-Associated Hereditary Breast and Ovarian Cancer; Hereditary breast and ovarian cancer syndrome. Identifiers: Orphanet 145, MedGen C0677776, MeSH D061325, MONDO:0003582. Disease mechanism: loss of function.
Hereditary cancer-predisposing syndrome. Also called: Tumor predisposition; Hereditary neoplastic syndrome; Hereditary Cancer Syndrome; Neoplastic Syndromes, Hereditary. Identifiers: Orphanet 140162, MedGen C0027672, MeSH D009386, MONDO:0015356.

Submissions (3):

Ambry Genetics
Classification: Pathogenic for Hereditary cancer-predisposing syndrome. Last evaluated: 2026-07-15. Review status: criteria provided, single submitter. Criteria: Ambry Variant Classification Scheme 2023. Collection method: clinical testing. Allele origin: germline.
Comment: The c.898_899dupGT pathogenic mutation, located in coding exon 9 of the BRCA2 gene, results from a duplication of GT at nucleotide position 898, causing a translational frameshift with a predicted alternate stop codon (p.D301*). This variant is considered to be rare based on population cohorts in the Genome Aggregation Database (gnomAD). This alteration is expected to result in loss of function by premature protein truncation or nonsense-mediated mRNA decay. As such, this alteration is interpreted as a disease-causing mutation.

Genetics Laboratory, Great Ormond Street Hospital NHS Foundation Trust, North Thames Genomic Laboratory Hub
Classification: Pathogenic for Inherited breast cancer and ovarian cancer. Last evaluated: 2026-03-03. Review status: criteria provided, single submitter. Criteria: CanVIG BRCA Gene Specific V1.22. Collection method: clinical testing. Allele origin: germline. Affected: yes.
Comment: PM2_moderate, PVS1_very-strong, PM5_strong

Labcorp Genetics (formerly Invitae), Labcorp
Classification: Pathogenic for Hereditary breast ovarian cancer syndrome. Last evaluated: 2024-10-18. Review status: criteria provided, single submitter. Criteria: Invitae Variant Classification Sherloc (09022015). Collection method: clinical testing. Allele origin: germline.
Comment: This sequence change creates a premature translational stop signal (p.Asp301*) in the BRCA2 gene. It is expected to result in an absent or disrupted protein product. Loss-of-function variants in BRCA2 are known to be pathogenic (PMID: 20104584). This variant is not present in population databases (gnomAD no frequency). This premature translational stop signal has been observed in individual(s) with breast cancer (PMID: 23458327). This variant is also known as 1127insGT. For these reasons, this variant has been classified as Pathogenic.

Literature cited by the submitters: PubMed 20104584 (cited by Labcorp Genetics (formerly Invitae), Labcorp); PubMed 23458327 (cited by Labcorp Genetics (formerly Invitae), Labcorp).